The following is an entry in ClinVar:

ClinVar aggregate classification (germline): Uncertain significance (1 of 4 stars; one submission).

Conditions:
Dilated cardiomyopathy 1R (CMD1R). Identifiers: Orphanet 154, Orphanet 54260, MedGen C3150681, MONDO:0013261, OMIM 613424.
Atrial septal defect 5 (ASD5). Identifiers: Orphanet 1478, MedGen C2748552, MONDO:0013011, OMIM 612794.
Hypertrophic cardiomyopathy 11. Also called: ACTC1-Related Familial Hypertrophic Cardiomyopathy. Identifiers: MedGen C2677506, MONDO:0012799, OMIM 612098.

Submission:

Labcorp Genetics (formerly Invitae), Labcorp
Classification: Uncertain significance for Dilated cardiomyopathy 1R; Hypertrophic cardiomyopathy 11; Atrial septal defect 5. Last evaluated: 2025-09-08. Review status: criteria provided, single submitter. Criteria: Invitae Variant Classification Sherloc (09022015). Collection method: clinical testing. Allele origin: germline.
Comment: This sequence change replaces methionine, which is neutral and non-polar, with valine, which is neutral and non-polar, at codon 134 of the ACTC1 protein (p.Met134Val). This variant is not present in population databases (gnomAD no frequency). This variant has not been reported in the literature in individuals affected with ACTC1-related conditions. Invitae Evidence Modeling of protein sequence and biophysical properties (such as structural, functional, and spatial information, amino acid conservation, physicochemical variation, residue mobility, and thermodynamic stability) indicates that this missense variant is not expected to disrupt ACTC1 protein function with a negative predictive value of 80%. In summary, the available evidence is currently insufficient to determine the role of this variant in disease. Therefore, it has been classified as a Variant of Uncertain Significance.

NM_005159.5(ACTC1):c.400A>G (p.Met134Val)

Genes: ACTC1 (actin alpha cardiac muscle 1; minus strand), GJD2-DT (GJD2 divergent transcript; plus strand). Cytogenetic location: 15q14.
Variant type: single nucleotide variant.
Coding change: c.400A>G on transcript NM_005159.5 (MANE Select); coding-DNA position 400, A replaced by G.
Protein change: p.Met134Val; replaces methionine 134 with valine.
Molecular consequence: missense variant. On other transcripts: synonymous variant (1).
Genome position (GRCh38, 1-based): chr15:34,793,299, T>C on the plus strand (A>G on the coding strand, the complement: ACTC1 is on the minus strand). VCF-style: chr15-34793299-T-C. GRCh37 (hg19) VCF-style: chr15-35085500-T-C.
Other names: c.400A>G, p.Met134Val (NM_001406482.1, NM_001406483.1); c.265A>G, p.Met89Val (NM_001406484.1); c.12A>G, p.Pro4= (NM_001406485.1); short protein forms M89V, M134V.
Identifiers: ClinVar variation 4782957 (VCV004782957.1).
Genomic context (GRCh38, chr15:34,793,299, plus strand): 5'-GCATACCTGTGGTACGGCCAGAAGCATACAGGGATAGCACTGCCTGGATGGCCACGTACA[T>C]GGCAGGGACATTGAAGGTCTCAAACATGATCTGAGTCATCTTCTCCCGGTTGGCCTTGGG-3'
Protein context (NP_005150.1, residues 124-144): IMFETFNVPA[Met134Val]YVAIQAVLSL